The following is an entry in ClinVar:

NM_015001.3(SPEN):c.6747C>T (p.Pro2249=)

Gene: SPEN (spen family transcriptional repressor; plus strand). Cytogenetic location: 1p36.13.
Variant type: single nucleotide variant.
Coding change: c.6747C>T on transcript NM_015001.3 (MANE Select); coding-DNA position 6747, C replaced by T.
Protein change: p.Pro2249=; no amino-acid change (proline 2249 retained).
Molecular consequence: synonymous variant.
Genome position (GRCh38, 1-based): chr1:15,932,987, C>T. VCF-style: chr1-15932987-C-T. GRCh37 (hg19) VCF-style: chr1-16259482-C-T.
Identifiers: ClinVar variation 3052756 (VCV003052756.2), dbSNP rs747051782, ClinGen allele CA619981.

ClinVar aggregate classification (germline): Likely benign (0 of 4 stars; one submission).

Conditions:
SPEN-related disorder. Also called: SPEN-related condition.

Allele frequency attached by ClinVar (database versions not stated): gnomAD exomes 0.00001; ExAC 0.00002; gnomAD 0.00002; TOPMed 0.00003.
gnomAD v4.1: 20 of 1,614,080 alleles (0.0012%); highest among the groups gnomAD compares: East Asian, 0.031%; no homozygotes.

Submission:

PreventionGenetics, part of Exact Sciences
Classification: Likely benign for SPEN-related condition. Last evaluated: 2019-08-21. Review status: no assertion criteria provided. Collection method: clinical testing. Allele origin: germline.
Comment: This variant is classified as likely benign based on ACMG/AMP sequence variant interpretation guidelines (Richards et al. 2015 PMID: 25741868, with internal and published modifications).